The following is an entry in ClinVar:

NM_000245.4(MET):c.585C>T (p.Phe195=)

Gene: MET (MET proto-oncogene, receptor tyrosine kinase; plus strand). Cytogenetic location: 7q31.2.
Variant type: single nucleotide variant.
Coding change: c.585C>T on transcript NM_000245.4 (MANE Select); coding-DNA position 585, C replaced by T.
Protein change: p.Phe195=; no amino-acid change (phenylalanine 195 retained).
Molecular consequence: synonymous variant. On other transcripts: intron variant (1).
Genome position (GRCh38, 1-based): chr7:116,699,669, C>T. VCF-style: chr7-116699669-C-T. GRCh37 (hg19) VCF-style: chr7-116339723-C-T.
Other names: c.585C>T, p.Phe195= (NM_001127500.3, NM_001324401.3); c.-91+27092C>T (NM_001324402.2).
Identifiers: ClinVar variation 135972 (VCV000135972.17), dbSNP rs587780737, ClinGen allele CA332683.
Genomic context (GRCh38, chr7:116,699,669, plus strand): 5'-TGTGGTGAGCGCCCTGGGAGCCAAAGTCCTTTCATCTGTAAAGGACCGGTTCATCAACTT[C>T]TTTGTAGGCAATACCATAAATTCTTCTTATTTCCCAGATCATCCATTGCATTCGATATCA-3'
Protein context (NP_000236.2, residues 185-205): LSSVKDRFIN[Phe195=]FVGNTINSSY

ClinVar aggregate classification (germline): Benign/Likely benign. Review status: criteria provided, multiple submitters, no conflicts (2 of 4 stars). 3 submissions from 3 submitters: Benign (1); Likely benign (2). Last evaluated 2025-12-10.

Conditions:
Renal cell carcinoma. Identifiers: Orphanet 217071, MedGen C0007134, MeSH D002292, MONDO:0005086, HP:0005584.
Hereditary cancer-predisposing syndrome. Also called: Tumor predisposition; Hereditary neoplastic syndrome; Neoplastic Syndromes, Hereditary; Hereditary Cancer Syndrome. Identifiers: Orphanet 140162, MedGen C0027672, MeSH D009386, MONDO:0015356.
Papillary renal cell carcinoma type 1 (RCCP1). Also called: RENAL CELL CARCINOMA, PAPILLARY, 1, SOMATIC; Renal adenocarcinoma; Renal cell carcinoma 1; Renal cell carcinoma, somatic. Identifiers: Orphanet 47044, MedGen C1336839, OMIM 605074, HP:0011797.

Allele frequency attached by ClinVar (database versions not stated): TOPMed below 0.00001; gnomAD 0.00001; gnomAD exomes 0.00001; ExAC 0.00002.
gnomAD v4.1: 11 of 1,613,918 alleles (0.00068%); highest among the groups gnomAD compares: Non-Finnish European, 0.00093%; no homozygotes.

Submissions (3):

Labcorp Genetics (formerly Invitae), Labcorp
Classification: Likely benign for Renal cell carcinoma. Last evaluated: 2025-12-10. Review status: criteria provided, single submitter. Criteria: Invitae Variant Classification Sherloc (09022015). Collection method: clinical testing. Allele origin: germline.

Myriad Genetics, Inc.
Classification: Benign for Papillary renal cell carcinoma type 1. Last evaluated: 2024-11-06. Review status: criteria provided, single submitter. Criteria: Myriad Autosomal Dominant, Autosomal Recessive and X-Linked Classification Criteria (2023). Collection method: clinical testing. Allele origin: unknown.
Comment: This variant is considered benign. This variant is a silent/synonymous amino acid change and it is not expected to impact splicing.

Ambry Genetics
Classification: Likely benign for Hereditary cancer-predisposing syndrome. Last evaluated: 2018-08-14. Review status: criteria provided, single submitter. Criteria: Ambry Variant Classification Scheme 2023. Collection method: clinical testing. Allele origin: germline.